The following is an entry in ClinVar:

ClinVar aggregate classification (germline): Uncertain significance (1 of 4 stars; one submission).

Conditions:
Danon disease. Also called: PSEUDOGLYCOGENOSIS II; GSD IIb; LYSOSOMAL GLYCOGEN STORAGE DISEASE WITHOUT ACID MALTASE DEFICIENCY; Glycogen Storage Disease Type IIb; ANTOPOL DISEASE. Identifiers: Orphanet 34587, MedGen C0878677, MONDO:0010281, OMIM 300257.

Submission:

Labcorp Genetics (formerly Invitae), Labcorp
Classification: Uncertain significance for Danon disease. Last evaluated: 2025-07-13. Review status: criteria provided, single submitter. Criteria: Invitae Variant Classification Sherloc (09022015). Collection method: clinical testing. Allele origin: germline.
Comment: This sequence change replaces phenylalanine, which is neutral and non-polar, with leucine, which is neutral and non-polar, at codon 126 of the LAMP2 protein (p.Phe126Leu). This variant is not present in population databases (gnomAD no frequency). This variant has not been reported in the literature in individuals affected with LAMP2-related conditions. Invitae Evidence Modeling of protein sequence and biophysical properties (such as structural, functional, and spatial information, amino acid conservation, physicochemical variation, residue mobility, and thermodynamic stability) indicates that this missense variant is expected to disrupt LAMP2 protein function with a positive predictive value of 80%. In summary, the available evidence is currently insufficient to determine the role of this variant in disease. Therefore, it has been classified as a Variant of Uncertain Significance.

NM_002294.3(LAMP2):c.378T>A (p.Phe126Leu)

Gene: LAMP2 (lysosome associated membrane protein 2; minus strand). Cytogenetic location: Xq24.
Variant type: single nucleotide variant.
Coding change: c.378T>A on transcript NM_002294.3 (MANE Select); coding-DNA position 378, T replaced by A.
Protein change: p.Phe126Leu; replaces phenylalanine 126 with leucine.
Molecular consequence: missense variant.
Genome position (GRCh38, 1-based): chrX:120,455,376, A>T on the plus strand (T>A on the coding strand, the complement: LAMP2 is on the minus strand). VCF-style: chrX-120455376-A-T. GRCh37 (hg19) VCF-style: chrX-119589231-A-T.
Other names: c.378T>A, p.Phe126Leu (NM_001122606.1, NM_013995.2); short protein forms F126L.
Identifiers: ClinVar variation 4702035 (VCV004702035.1).
Genomic context (GRCh38, chrX:120,455,376, plus strand): 5'-AAAAGCAAGAGAACATAACACAAATCCATTCTTAAGGTTACCTTTATCTTCAGCATCAGG[A>T]AATGTTGTGTTATCACCAGTGTTGTAGGAAAATGAGACGCTGTCAATTGAATAAGTAGAT-3'
Protein context (NP_002285.1, residues 116-136): FSYNTGDNTT[Phe126Leu]PDAEDKGILT